The following is an entry in ClinVar:

NM_005866.4(SIGMAR1):c.6G>A (p.Gln2=)

Genes: SIGMAR1 (sigma receptor chaperone 1; minus strand), LOC130001681 (ATAC-STARR-seq lymphoblastoid silent region 19853; plus strand). Cytogenetic location: 9p13.3.
Variant type: single nucleotide variant.
Coding change: c.6G>A on transcript NM_005866.4 (MANE Select); coding-DNA position 6, G replaced by A.
Protein change: p.Gln2=; no amino-acid change (glutamine 2 retained).
Molecular consequence: synonymous variant. On other transcripts: 5 prime UTR variant (1), non-coding transcript variant (1).
Genome position (GRCh38, 1-based): chr9:34,637,692, C>T on the plus strand (G>A on the coding strand, the complement: SIGMAR1 is on the minus strand). VCF-style: chr9-34637692-C-T. GRCh37 (hg19) VCF-style: chr9-34637689-C-T.
Other names: p.Gln2=; c.6G>A, p.Gln2= (NM_001282205.2, NM_001282207.2, NM_001282208.2 and 2 more transcripts); c.-248G>A (NM_001282206.2).
Identifiers: ClinVar variation 465872 (VCV000465872.47), dbSNP rs541251697, ClinGen allele CA5035964.
Genomic context (GRCh38, chr9:34,637,692, plus strand): 5'-CAGCACCGCTGCGACAGCCAGGAGCAGCGCGGCCCACGCCCACCGCCGGCCCACGGCCCA[C>T]TGCATCCCGGCGGGCGGCCTGGCACGGCGCAGCTCAGGAGGGAGCCGGGGCCTGAGGCTT-3'
Protein context (NP_005857.1, residues 1-12): M[Gln2=]WAVGRRWAWA

ClinVar aggregate classification (germline): Benign/Likely benign. Review status: criteria provided, multiple submitters, no conflicts (2 of 4 stars). 11 submissions from 11 submitters: Benign (3); Likely benign (5). 3 of the submissions do not count toward it. Last evaluated 2026-07-01.

Conditions:
Amyotrophic lateral sclerosis type 16. Also called: AMYOTROPHIC LATERAL SCLEROSIS 16, JUVENILE. Identifiers: Orphanet 300605, MedGen C3280587, MONDO:0013715, OMIM 614373.
Autosomal recessive distal spinal muscular atrophy 2. Also called: Hereditary motor neuropathy, Jerash type; Motor neuropathy, distal, Jerash type; NEUROPATHY, DISTAL HEREDITARY MOTOR, AUTOSOMAL RECESSIVE 2; NEURONOPATHY, DISTAL HEREDITARY MOTOR, JERASH TYPE; NEUROPATHY, DISTAL HEREDITARY MOTOR, JERASH TYPE; SPINAL MUSCULAR ATROPHY, JERASH TYPE. Identifiers: Orphanet 139552, MedGen C1854023, MONDO:0011585, OMIM 605726.
Inborn genetic diseases. Identifiers: MedGen C0950123, MeSH D030342.

Allele frequency attached by ClinVar (database versions not stated): 1000 Genomes Project 0.00020; 1000 Genomes Project 30x 0.00031; ExAC 0.00047; gnomAD exomes 0.00143 and 0.00309; TOPMed 0.00174; gnomAD 0.00198 and 0.00208.
gnomAD v4.1: 4,477 of 1,527,310 alleles (0.29%); highest among the groups gnomAD compares: Non-Finnish European, 0.37%; 7 homozygotes.

Submissions (11):

CeGaT Center for Human Genetics Tuebingen
Classification: Likely benign. Last evaluated: 2026-07-01. Review status: criteria provided, single submitter. Criteria: CeGaT Center For Human Genetics Tuebingen Variant Classification Criteria Version 2. Collection method: clinical testing. Allele origin: germline. Affected: yes. Observed: 4 variant alleles.
Comment: SIGMAR1: BP4, BP7

Labcorp Genetics (formerly Invitae), Labcorp
Classification: Benign for Autosomal recessive distal spinal muscular atrophy 2; Amyotrophic lateral sclerosis type 16. Last evaluated: 2026-02-02. Review status: criteria provided, single submitter. Criteria: Invitae Variant Classification Sherloc (09022015). Collection method: clinical testing. Allele origin: germline.

Women's Health and Genetics/Laboratory Corporation of America, LabCorp
Classification: Benign. Last evaluated: 2025-10-08. Review status: criteria provided, single submitter. Criteria: LabCorp Variant Classification Summary - May 2015. Collection method: clinical testing. Allele origin: germline.

Mayo Clinic Laboratories, Mayo Clinic
Classification: Likely benign. Last evaluated: 2024-12-06. Review status: criteria provided, single submitter. Criteria: ACMG Guidelines, 2015. Collection method: clinical testing. Allele origin: germline. Observed: 14 variant alleles.
Comment: BS1, BP4, BP7

Blueprint Genetics
Classification: Likely benign. Last evaluated: 2024-11-27. Review status: criteria provided, single submitter. Criteria: ACMG Guidelines, 2015. Collection method: clinical testing. Allele origin: germline.

GeneDx
Classification: Likely benign. Last evaluated: 2020-11-30. Review status: criteria provided, single submitter. Criteria: GeneDx Variant Classification Process June 2021. Collection method: clinical testing. Allele origin: germline. Affected: yes.

Athena Diagnostics
Classification: Benign. Last evaluated: 2020-05-21. Review status: criteria provided, single submitter. Criteria: Athena Diagnostics Criteria. Collection method: clinical testing. Allele origin: unknown.

Ambry Genetics
Classification: Likely benign for Inborn genetic diseases. Last evaluated: 2019-07-11. Review status: criteria provided, single submitter. Criteria: Ambry Variant Classification Scheme 2023. Collection method: clinical testing. Allele origin: germline.

Clinical Genetics DNA and cytogenetics Diagnostics Lab, Erasmus MC, Erasmus Medical Center
Classification: Likely benign. Review status: no assertion criteria provided. Collection method: clinical testing. Allele origin: germline. Affected: yes. Study: VKGL Data-share Consensus. Not counted in ClinVar's aggregate classification.

Clinical Genetics, Academic Medical Center
Classification: Likely benign. Review status: no assertion criteria provided. Collection method: clinical testing. Allele origin: germline. Affected: yes. Study: VKGL Data-share Consensus. Not counted in ClinVar's aggregate classification.

Genome Diagnostics Laboratory, Amsterdam University Medical Center
Classification: Likely benign. Review status: no assertion criteria provided. Collection method: clinical testing. Allele origin: germline. Affected: yes. Study: VKGL Data-share Consensus. Not counted in ClinVar's aggregate classification.